The following is an entry in ClinVar:

ClinVar aggregate classification (germline): Uncertain significance. Review status: criteria provided, multiple submitters, no conflicts (2 of 4 stars). 4 submissions from 4 submitters: Uncertain significance (4). Last evaluated 2026-03-27.

Conditions:
Marfan syndrome (MFS). Also called: Marfan syndrome type 1; Marfan's syndrome; FBN1-Related Marfan Syndrome; MARFAN SYNDROME, TYPE I; Marfan syndrome, classic. Identifiers: Orphanet 284963, Orphanet 558, MedGen C0024796, MONDO:0007947, OMIM 154700.
Familial thoracic aortic aneurysm and aortic dissection (TAAD). Also called: Thoracic aortic aneurysms and dissections. Identifiers: Orphanet 91387, MedGen C4707243, MONDO:0019625.
Cardiovascular phenotype. Identifiers: MedGen CN230736.

Allele frequency attached by ClinVar (database versions not stated): ExAC 0.00001; gnomAD exomes below 0.00001.
gnomAD v4.1: 2 of 1,613,290 alleles (0.00012%); highest among the groups gnomAD compares: Admixed American, 0.0017%; no homozygotes.

Submissions (4):

Molecular Diagnostic Laboratory for Inherited Cardiovascular Disease, Montreal Heart Institute
Classification: Uncertain significance for Cardiovascular phenotype. Last evaluated: 2026-03-27. Review status: criteria provided, single submitter. Criteria: ACMG Guidelines, 2015. Collection method: clinical testing. Allele origin: germline. Affected: yes.
Comment: PM2, PM5, PP2

Labcorp Genetics (formerly Invitae), Labcorp
Classification: Uncertain significance for Marfan syndrome; Familial thoracic aortic aneurysm and aortic dissection. Last evaluated: 2026-01-26. Review status: criteria provided, single submitter. Criteria: Invitae Variant Classification Sherloc (09022015). Collection method: clinical testing. Allele origin: germline.
Comment: This sequence change replaces arginine, which is basic and polar, with glutamine, which is neutral and polar, at codon 2335 of the FBN1 protein (p.Arg2335Gln). The frequency data for this variant in the population databases is considered unreliable, as metrics indicate poor data quality at this position in the gnomAD database. This variant has not been reported in the literature in individuals affected with FBN1-related conditions. ClinVar contains an entry for this variant (Variation ID: 1313940). Invitae Evidence Modeling of protein sequence and biophysical properties (such as structural, functional, and spatial information, amino acid conservation, physicochemical variation, residue mobility, and thermodynamic stability) indicates that this missense variant is expected to disrupt FBN1 protein function with a positive predictive value of 95%. This variant disrupts the p.Arg2335 amino acid residue in FBN1. Other variant(s) that disrupt this residue have been determined to be pathogenic (PMID: 12203987, 29357934, 32123317). This suggests that this residue is clinically significant, and that variants that disrupt this residue are likely to be disease-causing. In summary, the available evidence is currently insufficient to determine the role of this variant in disease. Therefore, it has been classified as a Variant of Uncertain Significance.

All of Us Research Program, National Institutes of Health
Classification: Uncertain significance for Marfan syndrome. Last evaluated: 2023-10-02. Review status: criteria provided, single submitter. Criteria: ACMG Guidelines, 2015. Collection method: clinical testing. Allele origin: germline. Inheritance: Autosomal dominant inheritance. Observed: 1 variant allele, 1 heterozygote.
Comment: This missense variant replaces arginine with glutamine at codon 2335 of the FBN1 protein. Computational prediction suggests that this variant may have deleterious impact on protein structure and function (internally defined REVEL score threshold >= 0.7, PMID: 27666373). To our knowledge, functional studies have not been reported for this variant. This variant has not been reported in individuals affected with FBN1-related disorders in the literature. This variant has not been identified in the general population by the Genome Aggregation Database (gnomAD). A different missense variant occurring at the same codon, p.Arg2335Trp, is known to cause disease (Clinvar variation ID 200100), indicating that arginine at this position is important for FBN1 protein function. The available evidence is insufficient to determine the role of this variant in disease conclusively. Therefore, this variant is classified as a Variant of Uncertain Significance.

This study involves interpretation of variants in research participants for the purpose of population health screening. Participant phenotype was not available at the time of variant classification. Additional details can be found in publication PMID: 35346344, PMCID: PMC8962531

GeneDx
Classification: Uncertain significance. Last evaluated: 2021-01-13. Review status: criteria provided, single submitter. Criteria: GeneDx Variant Classification Process June 2021. Collection method: clinical testing. Allele origin: germline. Affected: yes.
Comment: Has not been previously published as pathogenic or benign to our knowledge; Not observed at a significant frequency in large population cohorts (Lek et al., 2016); In silico analysis supports that this missense variant has a deleterious effect on protein structure/function; Does not affect a cysteine residue within a calcium-binding EGF-like domain of the FBN1 gene; cysteine substitutions in the calcium-binding EGF-like domains represent the majority of pathogenic missense changes associated with FBN1-related disorders (Collod-Beroud et al., 2003).

Literature cited by the submitters: PubMed 12203987 (cited by Labcorp Genetics (formerly Invitae), Labcorp); PubMed 29357934 (cited by Labcorp Genetics (formerly Invitae), Labcorp); PubMed 32123317 (cited by Labcorp Genetics (formerly Invitae), Labcorp).

NM_000138.5(FBN1):c.7004G>A (p.Arg2335Gln)

Gene: FBN1 (fibrillin 1; minus strand). Cytogenetic location: 15q21.1.
Variant type: single nucleotide variant.
Coding change: c.7004G>A on transcript NM_000138.5 (MANE Select); coding-DNA position 7004, G replaced by A.
Protein change: p.Arg2335Gln; replaces arginine 2335 with glutamine.
Molecular consequence: missense variant.
Genome position (GRCh38, 1-based): chr15:48,427,767, C>T on the plus strand (G>A on the coding strand, the complement: FBN1 is on the minus strand). VCF-style: chr15-48427767-C-T. GRCh37 (hg19) VCF-style: chr15-48719964-C-T.
Other names: short protein forms R2335Q.
Identifiers: ClinVar variation 1313940 (VCV001313940.7), dbSNP rs761248433, ClinGen allele CA057833.